The following is an entry in ClinVar:

NM_001142800.2(EYS):c.5776G>C (p.Asp1926His)

Gene: EYS (EGF-like photoreceptor maintenance factor; minus strand). Cytogenetic location: 6q12.
Variant type: single nucleotide variant.
Coding change: c.5776G>C on transcript NM_001142800.2 (MANE Select); coding-DNA position 5776, G replaced by C.
Protein change: p.Asp1926His; replaces aspartic acid 1926 with histidine.
Molecular consequence: missense variant.
Genome position (GRCh38, 1-based): chr6:64,439,221, C>G on the plus strand (G>C on the coding strand, the complement: EYS is on the minus strand). VCF-style: chr6-64439221-C-G. GRCh37 (hg19) VCF-style: chr6-65149114-C-G.
Other names: c.5776G>C, p.Asp1926His (NM_001292009.2); short protein forms D1926H.
Identifiers: ClinVar variation 843959 (VCV000843959.8), dbSNP rs1051421896, ClinGen allele CA140322074.

ClinVar aggregate classification (germline): Uncertain significance. Review status: criteria provided, multiple submitters, no conflicts (2 of 4 stars). 5 submissions from 5 submitters: Uncertain significance (4). 1 of the submissions does not count toward it. Last evaluated 2026-09-09.

Conditions:
Retinitis pigmentosa (RP). Identifiers: Orphanet 791, MedGen C0035334, MeSH D012174, MONDO:0019200, OMIM 268000. Inheritance: Autosomal dominant, autosomal recessive and X linked inheritance.
EYS-related disorder. Also called: EYS-related condition.
Inborn genetic diseases. Identifiers: MedGen C0950123, MeSH D030342.

Allele frequency attached by ClinVar (database versions not stated): gnomAD 0.00003; TOPMed 0.00002.
gnomAD v4.1: 6 of 1,485,012 alleles (0.0004%); highest among the groups gnomAD compares: Non-Finnish European, 0.00054%; no homozygotes.

Submissions (5):

Ambry Genetics
Classification: Uncertain significance for Inborn genetic diseases. Last evaluated: 2026-09-09. Review status: criteria provided, single submitter. Criteria: Ambry Variant Classification Scheme 2023. Collection method: clinical testing. Allele origin: germline.

PreventionGenetics, part of Exact Sciences
Classification: Uncertain significance for EYS-related condition. Last evaluated: 2025-08-10. Review status: criteria provided, single submitter. Criteria: ACMG Guidelines, 2015. Collection method: clinical testing. Allele origin: germline.
Comment: The EYS c.5776G>C variant is predicted to result in the amino acid substitution p.Asp1926His. To our knowledge, this variant has not been reported in the literature. This variant is reported in 0.0065% of alleles in individuals of European (Non-Finnish) descent in gnomAD. At this time, the clinical significance of this variant is uncertain due to the absence of conclusive functional and genetic evidence.

Labcorp Genetics (formerly Invitae), Labcorp
Classification: Uncertain significance. Last evaluated: 2022-02-08. Review status: criteria provided, single submitter. Criteria: Invitae Variant Classification Sherloc (09022015). Collection method: clinical testing. Allele origin: germline.
Comment: This sequence change replaces aspartic acid, which is acidic and polar, with histidine, which is basic and polar, at codon 1926 of the EYS protein (p.Asp1926His). This variant is present in population databases (no rsID available, gnomAD 0.007%). This variant has not been reported in the literature in individuals affected with EYS-related conditions. ClinVar contains an entry for this variant (Variation ID: 843959). Algorithms developed to predict the effect of missense changes on protein structure and function are either unavailable or do not agree on the potential impact of this missense change (SIFT: "Tolerated"; PolyPhen-2: "Possibly Damaging"; Align-GVGD: "Class C0"). In summary, the available evidence is currently insufficient to determine the role of this variant in disease. Therefore, it has been classified as a Variant of Uncertain Significance.

Blueprint Genetics
Classification: Uncertain significance. Last evaluated: 2022-01-29. Review status: criteria provided, single submitter. Criteria: ACMG Guidelines, 2015. Collection method: clinical testing. Allele origin: germline.

Natera, Inc.
Classification: Uncertain significance for Retinitis pigmentosa. Last evaluated: 2020-09-16. Review status: no assertion criteria provided. Collection method: clinical testing. Allele origin: germline. Not counted in ClinVar's aggregate classification.